The following is an entry in ClinVar:

ClinVar aggregate classification (germline): Uncertain significance (1 of 4 stars; one submission).

Conditions:
Nephronophthisis 14 (NPHP14). Identifiers: Orphanet 2318, MedGen C3539071, MONDO:0013916, OMIM 614844.

Allele frequency attached by ClinVar (database versions not stated): gnomAD 0.00001; gnomAD exomes 0.00001; ExAC 0.00002; TOPMed 0.00002.
gnomAD v4.1: 12 of 1,613,628 alleles (0.00074%); highest among the groups gnomAD compares: East Asian, 0.0022%; no homozygotes.

Submission:

Labcorp Genetics (formerly Invitae), Labcorp
Classification: Uncertain significance for Nephronophthisis 14. Last evaluated: 2022-08-09. Review status: criteria provided, single submitter. Criteria: Invitae Variant Classification Sherloc (09022015). Collection method: clinical testing. Allele origin: germline.
Comment: In summary, the available evidence is currently insufficient to determine the role of this variant in disease. Therefore, it has been classified as a Variant of Uncertain Significance. Algorithms developed to predict the effect of sequence changes on RNA splicing suggest that this variant may create or strengthen a splice site. Algorithms developed to predict the effect of missense changes on protein structure and function (SIFT, PolyPhen-2, Align-GVGD) all suggest that this variant is likely to be tolerated. This variant has not been reported in the literature in individuals affected with ZNF423-related conditions. This variant is present in population databases (rs778294114, gnomAD 0.006%). This sequence change replaces alanine, which is neutral and non-polar, with valine, which is neutral and non-polar, at codon 663 of the ZNF423 protein (p.Ala663Val).

NM_001379286.1(ZNF423):c.2012C>T (p.Ala671Val)

Gene: ZNF423 (zinc finger protein 423; minus strand). Cytogenetic location: 16q12.1.
Variant type: single nucleotide variant.
Coding change: c.2012C>T on transcript NM_001379286.1 (MANE Select); coding-DNA position 2012, C replaced by T.
Protein change: p.Ala671Val; replaces alanine 671 with valine.
Molecular consequence: missense variant.
Genome position (GRCh38, 1-based): chr16:49,637,164, G>A on the plus strand (C>T on the coding strand, the complement: ZNF423 is on the minus strand). VCF-style: chr16-49637164-G-A. GRCh37 (hg19) VCF-style: chr16-49671075-G-A.
Other names: c.1808C>T, p.Ala603Val (NM_001271620.2); c.1637C>T, p.Ala546Val (NM_001330533.2); c.1988C>T, p.Ala663Val (NM_015069.5); short protein forms A546V, A663V, A671V, A603V.
Identifiers: ClinVar variation 2053284 (VCV002053284.2), dbSNP rs778294114, ClinGen allele CA8046585.